The following is an entry in ClinVar:

ClinVar aggregate classification (germline): Uncertain significance. Review status: criteria provided, multiple submitters, no conflicts (2 of 4 stars). 2 submissions from 2 submitters: Uncertain significance (2). Last evaluated 2026-05-27.

Conditions:
ACOX1-related disorder. Also called: ACOX1-related disorders; ACOX1-related condition.
Acyl-CoA oxidase deficiency. Also called: STRAIGHT-CHAIN ACYL-CoA OXIDASE DEFICIENCY; Pseudoneonatal adrenoleukodystrophy; Peroxisomal acyl-CoA oxidase deficiency. Identifiers: Orphanet 2971, MedGen C1849678, MONDO:0009919, OMIM 264470. Disease mechanism: loss of function.

Allele frequency attached by ClinVar (database versions not stated): ExAC 0.00001; gnomAD exomes 0.00001; TOPMed 0.00001.
gnomAD v4.1: 3 of 1,613,982 alleles (0.00019%); highest among the groups gnomAD compares: Admixed American, 0.005%; no homozygotes.

Submissions (2):

PreventionGenetics, part of Exact Sciences
Classification: Uncertain significance for ACOX1-related condition. Last evaluated: 2026-05-27. Review status: criteria provided, single submitter. Criteria: ACMG Guidelines, 2015. Collection method: clinical testing. Allele origin: germline.
Comment: The ACOX1 c.1732A>C variant is predicted to result in the amino acid substitution p.Ser578Arg. To our knowledge, this variant has not been reported in the literature. This variant is reported in 0.0087% of alleles in individuals of Latino descent in gnomAD. At this time, the clinical significance of this variant is uncertain due to the absence of conclusive functional and genetic evidence.

Labcorp Genetics (formerly Invitae), Labcorp
Classification: Uncertain significance for Acyl-CoA oxidase deficiency. Last evaluated: 2022-07-11. Review status: criteria provided, single submitter. Criteria: Invitae Variant Classification Sherloc (09022015). Collection method: clinical testing. Allele origin: germline.
Comment: This sequence change replaces serine, which is neutral and polar, with arginine, which is basic and polar, at codon 578 of the ACOX1 protein (p.Ser578Arg). This variant is present in population databases (rs762657777, gnomAD 0.009%). This variant has not been reported in the literature in individuals affected with ACOX1-related conditions. ClinVar contains an entry for this variant (Variation ID: 1406740). Algorithms developed to predict the effect of missense changes on protein structure and function (SIFT, PolyPhen-2, Align-GVGD) all suggest that this variant is likely to be tolerated. In summary, the available evidence is currently insufficient to determine the role of this variant in disease. Therefore, it has been classified as a Variant of Uncertain Significance.

NM_004035.7(ACOX1):c.1732A>C (p.Ser578Arg)

Gene: ACOX1 (acyl-CoA oxidase 1; minus strand). Cytogenetic location: 17q25.1.
Variant type: single nucleotide variant.
Coding change: c.1732A>C on transcript NM_004035.7 (MANE Select); coding-DNA position 1732, A replaced by C.
Protein change: p.Ser578Arg; replaces serine 578 with arginine.
Molecular consequence: missense variant.
Genome position (GRCh38, 1-based): chr17:75,948,454, T>G on the plus strand (A>C on the coding strand, the complement: ACOX1 is on the minus strand). VCF-style: chr17-75948454-T-G. GRCh37 (hg19) VCF-style: chr17-73944535-T-G.
Other names: c.1618A>C, p.Ser540Arg (NM_001185039.2); c.1732A>C, p.Ser578Arg (NM_007292.6); c.1732A>C (NM_004035.6); short protein forms S540R, S578R.
Identifiers: ClinVar variation 1406740 (VCV001406740.5), dbSNP rs762657777, ClinGen allele CA8776670.
Genomic context (GRCh38, chr17:75,948,454, plus strand): 5'-GAGTGAGTAACTCCTTTACACGCTGGTTTACTTGTGTAATCTGAGGCTCTGTCATGATGC[T>G]CCCCTAAAAGAGACCAAAATAAGTAAATAAAACATATATATGTATATAGATAGACATAAT-3'
Protein context (NP_004026.2, residues 568-588): SQNAGDFLQG[Ser578Arg]IMTEPQITQV